The following is an entry in ClinVar:

ClinVar aggregate classification (germline): Uncertain significance (1 of 4 stars; one submission).

Conditions:
Epileptic encephalopathy. Identifiers: MedGen C0543888, HP:0200134.

Allele frequency attached by ClinVar (database versions not stated): gnomAD 0.00002; TOPMed 0.00003.

Submission:

Labcorp Genetics (formerly Invitae), Labcorp
Classification: Uncertain significance for Epileptic encephalopathy. Last evaluated: 2025-03-25. Review status: criteria provided, single submitter. Criteria: Invitae Variant Classification Sherloc (09022015). Collection method: clinical testing. Allele origin: germline.
Comment: This sequence change replaces serine, which is neutral and polar, with leucine, which is neutral and non-polar, at codon 552 of the FASN protein (p.Ser552Leu). This variant is not present in population databases (gnomAD no frequency). This variant has not been reported in the literature in individuals affected with FASN-related conditions. ClinVar contains an entry for this variant (Variation ID: 1062355). An algorithm developed to predict the effect of missense changes on protein structure and function (PolyPhen-2) suggests that this variant is likely to be disruptive. In summary, the available evidence is currently insufficient to determine the role of this variant in disease. Therefore, it has been classified as a Variant of Uncertain Significance.

NM_004104.5(FASN):c.1655C>T (p.Ser552Leu)

Gene: FASN (fatty acid synthase; minus strand). Cytogenetic location: 17q25.3.
Variant type: single nucleotide variant.
Coding change: c.1655C>T on transcript NM_004104.5 (MANE Select); coding-DNA position 1655, C replaced by T.
Protein change: p.Ser552Leu; replaces serine 552 with leucine.
Molecular consequence: missense variant.
Genome position (GRCh38, 1-based): chr17:82,090,907, G>A on the plus strand (C>T on the coding strand, the complement: FASN is on the minus strand). VCF-style: chr17-82090907-G-A. GRCh37 (hg19) VCF-style: chr17-80048783-G-A.
Other names: short protein forms S552L.
Identifiers: ClinVar variation 1062355 (VCV001062355.9), dbSNP rs1160353932, ClinGen allele CA401559994.